The following is an entry in ClinVar:

NM_007294.4(BRCA1):c.4097-10G>A

Gene: BRCA1 (BRCA1 DNA repair associated; minus strand). Cytogenetic location: 17q21.31.
Variant type: single nucleotide variant.
Coding change: c.4097-10G>A on transcript NM_007294.4 (MANE Select); 10 bases into the intron before coding-DNA position 4097, G replaced by A.
Molecular consequence: intron variant.
Genome position (GRCh38, 1-based): chr17:43,091,042, C>T on the plus strand (G>A on the coding strand, the complement: BRCA1 is on the minus strand). VCF-style: chr17-43091042-C-T. GRCh37 (hg19) VCF-style: chr17-41243059-C-T.
Other names: IVS11-10G>A; c.647-10G>A (NM_001408458.1, NM_001408469.1, NM_001408453.1 and 11 more transcripts); c.3209-10G>A (NM_001407967.1, NM_001407966.1); c.3716-10G>A (NM_001407959.1, NM_001407963.1, NM_001407960.1); c.3830-10G>A (NM_001407931.1, NM_001407932.1, NM_001407934.1 and 2 more transcripts); c.3953-10G>A (NM_001407747.1, NM_001407848.1, NM_001407839.1 and 20 more transcripts); c.3713-10G>A (NM_001407962.1); c.284-10G>A (NM_001408512.1); and 42 more.
Identifiers: ClinVar variation 125672 (VCV000125672.35), dbSNP rs80358057, ClinGen allele CA002621.

ClinVar aggregate classification (germline): Benign. Review status: reviewed by expert panel (3 of 4 stars). 11 submissions from 11 submitters: Benign (1). 10 of the submissions do not count toward it. Last evaluated 2019-06-18.

Conditions:
Hereditary cancer-predisposing syndrome. Also called: Tumor predisposition; Hereditary neoplastic syndrome; Hereditary Cancer Syndrome; Neoplastic Syndromes, Hereditary. Identifiers: Orphanet 140162, MedGen C0027672, MeSH D009386, MONDO:0015356.
Hereditary breast ovarian cancer syndrome. Also called: Hereditary breast and/or ovarian cancer syndrome; Breast and ovarian cancer; Hereditary breast and ovarian cancer syndrome; Hereditary breast and ovarian cancer; Hereditary breast and ovarian cancer syndrome (HBOC); BRCA1- and BRCA2-Associated Hereditary Breast and Ovarian Cancer. Identifiers: Orphanet 145, MedGen C0677776, MeSH D061325, MONDO:0003582. Disease mechanism: loss of function.
Breast-ovarian cancer, familial, susceptibility to, 1 (BROVCA1). Also called: BRCA1 Hereditary Breast and Ovarian Cancer; OVARIAN CANCER, SUSCEPTIBILITY TO. Identifiers: Orphanet 145, MedGen C2676676, MONDO:0011450, OMIM 604370. Disease mechanism: loss of function.

Allele frequency attached by ClinVar (database versions not stated): ExAC 0.00001; gnomAD 0.00001; gnomAD exomes 0.00002; TOPMed 0.00002.
gnomAD v4.1: 18 of 1,608,984 alleles (0.0011%); highest among the groups gnomAD compares: Admixed American, 0.0034%; no homozygotes.

Submissions (11):

Evidence-based Network for the Interpretation of Germline Mutant Alleles (ENIGMA)
Classification: Benign for Breast-ovarian cancer, familial, susceptibility to, 1. Last evaluated: 2019-06-18. Review status: reviewed by expert panel. Criteria: ENIGMA BRCA1/2 Classification Criteria (2017-06-29). Collection method: curation. Allele origin: germline.
Comment: IARC class based on posterior probability from multifactorial likelihood analysis, thresholds for class as per Plon et al. 2008 (PMID: 18951446). Class 1 based on posterior probability = 0.000573

Labcorp Genetics (formerly Invitae), Labcorp
Classification: Benign for Hereditary breast ovarian cancer syndrome. Last evaluated: 2026-01-13. Review status: criteria provided, single submitter. Criteria: Invitae Variant Classification Sherloc (09022015). Collection method: clinical testing. Allele origin: germline. Not counted in ClinVar's aggregate classification.

All of Us Research Program, National Institutes of Health
Classification: Likely benign for Breast-ovarian cancer, familial, susceptibility to, 1. Last evaluated: 2024-02-05. Review status: criteria provided, single submitter. Criteria: ACMG Guidelines, 2015. Collection method: clinical testing. Allele origin: germline. Inheritance: Autosomal dominant inheritance. Observed: 7 variant alleles, 7 heterozygotes. Not counted in ClinVar's aggregate classification.
Comment: This study involves interpretation of variants in research participants for the purpose of population health screening. Participant phenotype was not available at the time of variant classification. Additional details can be found in publication PMID: 35346344, PMCID: PMC8962531

Quest Diagnostics Nichols Institute San Juan Capistrano
Classification: Likely benign. Last evaluated: 2023-01-06. Review status: criteria provided, single submitter. Criteria: Quest Diagnostics criteria. Collection method: clinical testing. Allele origin: unknown. Not counted in ClinVar's aggregate classification.

Women's Health and Genetics/Laboratory Corporation of America, LabCorp
Classification: Benign. Last evaluated: 2020-11-12. Review status: criteria provided, single submitter. Criteria: LabCorp Variant Classification Summary - May 2015. Collection method: clinical testing. Allele origin: germline. Not counted in ClinVar's aggregate classification.
Comment: Variant summary: BRCA1 c.4097-10G>A alters a nucleotide located close to a canonical splice site and therefore could affect mRNA splicing, leading to a significantly altered protein sequence. 4/4 computational tools predict no significant impact on normal splicing. Consistent with this, one study report that the variant had no apparent effect on mRNA splicing (Rodriguez-Balada_2016). The variant allele was found at a frequency of 1.6e-05 in 243770 control chromosomes (gnomAD). The available data on variant occurrences in the general population are insufficient to allow any conclusion about variant significance. c.4097-10G>A has been reported in the literature in individuals undergoing genetic testing (Judkins_2005, Rodriguez-Balada_2016). However, these reports do not provide unequivocal conclusions about association of the variant with Hereditary Breast and Ovarian Cancer. Five other ClinVar submitters including an expert panel (ENIGMA) classified the variant as likely benign or benign. Based on the evidence outlined above, the variant was classified as benign.

ARUP Laboratories, Molecular Genetics and Genomics, ARUP Laboratories
Classification: Likely benign. Last evaluated: 2020-04-01. Review status: criteria provided, single submitter. Criteria: ARUP Molecular Germline Variant Investigation Process. Collection method: clinical testing. Allele origin: germline. Not counted in ClinVar's aggregate classification.

Color Diagnostics, LLC DBA Color Health
Classification: Likely benign for Hereditary cancer-predisposing syndrome. Last evaluated: 2015-07-30. Review status: criteria provided, single submitter. Criteria: ACMG Guidelines, 2015. Collection method: clinical testing. Allele origin: germline. Not counted in ClinVar's aggregate classification.

GeneDx
Classification: Benign. Last evaluated: 2014-09-17. Review status: criteria provided, single submitter. Criteria: GeneDx Variant Classification (06012015). Collection method: clinical testing. Allele origin: germline. Affected: yes. Not counted in ClinVar's aggregate classification.
Comment: This variant is considered likely benign or benign based on one or more of the following criteria: it is a conservative change, it occurs at a poorly conserved position in the protein, it is predicted to be benign by multiple in silico algorithms, and/or has population frequency not consistent with disease.

Eurofins Ntd Llc (ga)
Classification: Uncertain significance. Last evaluated: 2014-07-09. Review status: criteria provided, single submitter. Criteria: EGL Classification Definitions 2015. Collection method: clinical testing. Allele origin: germline. Observed: 1 variant allele, 1 heterozygote. Not counted in ClinVar's aggregate classification.

Counsyl
Classification: Likely benign for Breast-ovarian cancer, familial, susceptibility to, 1. Last evaluated: 2016-08-09. Review status: no assertion criteria provided. Collection method: clinical testing. Allele origin: unknown. Not counted in ClinVar's aggregate classification.

Breast Cancer Information Core (BIC) (BRCA1)
Classification: Uncertain significance for Breast-ovarian cancer, familial 1. Last evaluated: 2002-05-29. Review status: no assertion criteria provided. Collection method: clinical testing. Allele origin: germline. Affected: yes. Observed: 1 variant allele. Not counted in ClinVar's aggregate classification.

Literature cited by the submitters: PubMed 31131967 (cited by Evidence-based Network for the Interpretation of Germline Mutant Alleles (ENIGMA) and Quest Diagnostics Nichols Institute San Juan Capistrano); PubMed 16267036 (cited by Quest Diagnostics Nichols Institute San Juan Capistrano and Women's Health and Genetics/Laboratory Corporation of America, LabCorp); PubMed 27886673 (cited by Quest Diagnostics Nichols Institute San Juan Capistrano and Women's Health and Genetics/Laboratory Corporation of America, LabCorp).